The following is an entry in ClinVar:

NM_024675.4(PALB2):c.3107T>C (p.Val1036Ala)

Gene: PALB2 (partner and localizer of BRCA2; minus strand). Cytogenetic location: 16p12.2.
Variant type: single nucleotide variant.
Coding change: c.3107T>C on transcript NM_024675.4 (MANE Select); coding-DNA position 3107, T replaced by C.
Protein change: p.Val1036Ala; replaces valine 1036 with alanine.
Molecular consequence: missense variant.
Genome position (GRCh38, 1-based): chr16:23,621,368, A>G on the plus strand (T>C on the coding strand, the complement: PALB2 is on the minus strand). VCF-style: chr16-23621368-A-G. GRCh37 (hg19) VCF-style: chr16-23632689-A-G.
Other names: short protein forms V1036A.
Identifiers: ClinVar variation 490081 (VCV000490081.14), dbSNP rs1555459357, ClinGen allele CA395142783.
Genomic context (GRCh38, chr16:23,621,368, plus strand): 5'-GGTATATCCTCATACTACAGATGAGGGAACTGAGGACCTAGAGGGAAAGCTTACCAAATA[A>G]CAATGTTGTTCATAATAGTAGTACCAAGCAGAGCTTCTTGCATCCCTTGGACCTCAGCAA-3'
Protein context (NP_078951.2, residues 1026-1046): LLGTTIMNNI[Val1036Ala]IWNLKTGQLL

ClinVar aggregate classification (germline): Uncertain significance. Review status: criteria provided, multiple submitters, no conflicts (2 of 4 stars). 4 submissions from 4 submitters: Uncertain significance (4). Last evaluated 2025-09-26.

Conditions:
Familial cancer of breast. Also called: Hereditary breast cancer; BREAST CANCER, FAMILIAL; hereditary breast carcinoma. Identifiers: Orphanet 227535, MedGen C0346153, MONDO:0016419, OMIM 114480. Disease mechanism: loss of function.
Hereditary cancer-predisposing syndrome. Also called: Hereditary Cancer Syndrome; Neoplastic Syndromes, Hereditary; Tumor predisposition; Hereditary neoplastic syndrome. Identifiers: Orphanet 140162, MedGen C0027672, MeSH D009386, MONDO:0015356.

Allele frequency attached by ClinVar (database versions not stated): gnomAD exomes below 0.00001.
gnomAD v4.1: 1 of 1,607,344 alleles (0.000062%); highest among the groups gnomAD compares: South Asian, 0.0011%; no homozygotes.

Submissions (4):

Ambry Genetics
Classification: Uncertain significance for Hereditary cancer-predisposing syndrome. Last evaluated: 2025-09-26. Review status: criteria provided, single submitter. Criteria: Ambry Variant Classification Scheme 2023. Collection method: clinical testing. Allele origin: germline.
Comment: The p.V1036A variant (also known as c.3107T>C), located in coding exon 10 of the PALB2 gene, results from a T to C substitution at nucleotide position 3107. The valine at codon 1036 is replaced by alanine, an amino acid with similar properties. This alteration has been identified in multiple individuals diagnosed with breast cancer (Dorling et al. N Engl J Med. 2021 02;384:428-439; Ng PS et al. J Med Genet, 2022 May;59:481-491). This amino acid position is highly conserved in available vertebrate species. In addition, this alteration is predicted to be tolerated by in silico analysis. Since supporting evidence is limited at this time, the clinical significance of this alteration remains unclear.

Labcorp Genetics (formerly Invitae), Labcorp
Classification: Uncertain significance for Familial cancer of breast. Last evaluated: 2025-02-03. Review status: criteria provided, single submitter. Criteria: Invitae Variant Classification Sherloc (09022015). Collection method: clinical testing. Allele origin: germline.
Comment: This sequence change replaces valine, which is neutral and non-polar, with alanine, which is neutral and non-polar, at codon 1036 of the PALB2 protein (p.Val1036Ala). This variant is not present in population databases (gnomAD no frequency). This missense change has been observed in individual(s) with breast cancer (PMID: 33811135). ClinVar contains an entry for this variant (Variation ID: 490081). Invitae Evidence Modeling of protein sequence and biophysical properties (such as structural, functional, and spatial information, amino acid conservation, physicochemical variation, residue mobility, and thermodynamic stability) has been performed for this missense variant. However, the output from this modeling did not meet the statistical confidence thresholds required to predict the impact of this variant on PALB2 protein function. In summary, the available evidence is currently insufficient to determine the role of this variant in disease. Therefore, it has been classified as a Variant of Uncertain Significance.

Women's Health and Genetics/Laboratory Corporation of America, LabCorp
Classification: Uncertain significance. Last evaluated: 2022-01-16. Review status: criteria provided, single submitter. Criteria: LabCorp Variant Classification Summary - May 2015. Collection method: clinical testing. Allele origin: germline.
Comment: Variant summary: PALB2 c.3107T>C (p.Val1036Ala) results in a non-conservative amino acid change located in the Partner and localiser of BRCA2, WD40 domain (IPR031920) of the encoded protein sequence. Four of five in-silico tools predict a damaging effect of the variant on protein function. The variant was absent in 251404 control chromosomes. The available data on variant occurrences in the general population are insufficient to allow any conclusion about variant significance. c.3107T>C has been reported in the literature in individuals affected with breast cancer (example Ng_2021). These report(s) do not provide unequivocal conclusions about association of the variant with Hereditary Breast And Ovarian Cancer Syndrome. To our knowledge, no experimental evidence demonstrating an impact on protein function has been reported. Two clinical diagnostic laboratories have submitted clinical-significance assessments for this variant to ClinVar after 2014 without evidence for independent evaluation. All laboratories classified the variant as uncertain significance. Based on the evidence outlined above, the variant was classified as uncertain significance.

Color Diagnostics, LLC DBA Color Health
Classification: Uncertain significance for Hereditary cancer-predisposing syndrome. Last evaluated: 2021-07-29. Review status: criteria provided, single submitter. Criteria: ACMG Guidelines, 2015. Collection method: clinical testing. Allele origin: germline.
Comment: This missense variant replaces valine with alanine at codon 1036 of the PALB2 protein. Computational prediction suggests that this variant may not impact protein structure and function (internally defined REVEL score threshold <= 0.5, PMID: 27666373). To our knowledge, functional studies have not been reported for this variant. This variant has been detected in an individual affected with breast cancer (PMID: 33471991; Leiden Open Variation Database DB-ID PALB2_010785). This variant has not been identified in the general population by the Genome Aggregation Database (gnomAD). The available evidence is insufficient to determine the role of this variant in disease conclusively. Therefore, this variant is classified as a Variant of Uncertain Significance.

Literature cited by the submitters: PubMed 33471991 (cited by Ambry Genetics); PubMed 33811135 (cited by 3 submitters).